The following is an entry in ClinVar:

ClinVar aggregate classification (germline): Benign/Likely benign. Review status: criteria provided, multiple submitters, no conflicts (2 of 4 stars). 8 submissions from 8 submitters: Benign (4); Likely benign (3). 1 of the submissions does not count toward it. Last evaluated 2026-03-01.

Conditions:
Inborn genetic diseases. Identifiers: MedGen C0950123, MeSH D030342.
ATRX-related disorder. Also called: ATRX-related condition.
Alpha thalassemia-X-linked intellectual disability syndrome (ATRX). Also called: ALPHA-THALASSEMIA/MENTAL RETARDATION SYNDROME, X-LINKED; ALPHA-THALASSEMIA/IMPAIRED INTELLECTUAL DEVELOPMENT SYNDROME, X-LINKED; X-linked alpha-thalassemia-mental retardation syndrome; ATR, NONDELETION TYPE; ATR-X syndrome; Alpha thalassemia mental retardation syndrome, nondeletion type, X-linked. Identifiers: Orphanet 847, MedGen C1845055, MONDO:0010519, OMIM 301040.

Allele frequency attached by ClinVar (database versions not stated): gnomAD exomes 0.00013 and 0.00061; 1000 Genomes Project 30x 0.00021; gnomAD 0.00023 and 0.00025; 1000 Genomes Project 0.00026; ESP Exome Variant Server 0.00028; ExAC 0.00040; TOPMed 0.00042.
gnomAD v4.1: 165 of 1,200,502 alleles (0.014%); highest among the groups gnomAD compares: Admixed American, 0.27%; no homozygotes.

Submissions (8):

CeGaT Center for Human Genetics Tuebingen
Classification: Likely benign. Last evaluated: 2026-03-01. Review status: criteria provided, single submitter. Criteria: CeGaT Center For Human Genetics Tuebingen Variant Classification Criteria Version 2. Collection method: clinical testing. Allele origin: germline. Affected: yes. Observed: 2 variant alleles.
Comment: ATRX: BP4, BP7, BS2

Labcorp Genetics (formerly Invitae), Labcorp
Classification: Benign for Alpha thalassemia-X-linked intellectual disability syndrome. Last evaluated: 2026-01-08. Review status: criteria provided, single submitter. Criteria: Invitae Variant Classification Sherloc (09022015). Collection method: clinical testing. Allele origin: germline.

ARUP Laboratories, Molecular Genetics and Genomics, ARUP Laboratories
Classification: Benign. Last evaluated: 2024-08-26. Review status: criteria provided, single submitter. Criteria: ARUP Molecular Germline Variant Investigation Process 2024. Collection method: clinical testing. Allele origin: germline.

GeneDx
Classification: Benign. Last evaluated: 2021-04-07. Review status: criteria provided, single submitter. Criteria: GeneDx Variant Classification Process June 2021. Collection method: clinical testing. Allele origin: germline. Affected: yes.

Ambry Genetics
Classification: Benign for Inborn genetic diseases. Last evaluated: 2017-09-29. Review status: criteria provided, single submitter. Criteria: Ambry Variant Classification Scheme 2023. Collection method: clinical testing. Allele origin: germline.

Genetic Services Laboratory, University of Chicago
Classification: Likely benign. Last evaluated: 2016-01-14. Review status: criteria provided, single submitter. Criteria: ACMG Guidelines, 2015. Collection method: clinical testing. Allele origin: germline. Affected: no.

Eurofins Ntd Llc (ga)
Classification: Likely benign. Last evaluated: 2015-05-19. Review status: criteria provided, single submitter. Criteria: EGL Classification Definitions 2015. Collection method: clinical testing. Allele origin: germline. Observed: 1 variant allele, 1 hemizygote.

PreventionGenetics, part of Exact Sciences
Classification: Likely benign for ATRX-related condition. Last evaluated: 2019-09-26. Review status: no assertion criteria provided. Collection method: clinical testing. Allele origin: germline. Not counted in ClinVar's aggregate classification.
Comment: This variant is classified as likely benign based on ACMG/AMP sequence variant interpretation guidelines (Richards et al. 2015 PMID: 25741868, with internal and published modifications).

NM_000489.6(ATRX):c.6405C>T (p.Phe2135=)

Gene: ATRX (ATRX chromatin remodeler; minus strand). Cytogenetic location: Xq21.1.
Variant type: single nucleotide variant.
Coding change: c.6405C>T on transcript NM_000489.6 (MANE Select); coding-DNA position 6405, C replaced by T.
Protein change: p.Phe2135=; no amino-acid change (phenylalanine 2135 retained).
Molecular consequence: synonymous variant.
Genome position (GRCh38, 1-based): chrX:77,558,768, G>A on the plus strand (C>T on the coding strand, the complement: ATRX is on the minus strand). VCF-style: chrX-77558768-G-A. GRCh37 (hg19) VCF-style: chrX-76814239-G-A.
Other names: c.6291C>T, p.Phe2097= (NM_138270.5).
Identifiers: ClinVar variation 196162 (VCV000196162.31), dbSNP rs148659669, ClinGen allele CA202171.